The following is an entry in ClinVar:

NM_001201543.2(FAM161A):c.1777G>T (p.Glu593Ter)

Gene: FAM161A (FAM161 centrosomal protein A; minus strand). Cytogenetic location: 2p15.
Variant type: single nucleotide variant.
Coding change: c.1777G>T on transcript NM_001201543.2 (MANE Select); coding-DNA position 1777, G replaced by T.
Protein change: p.Glu593Ter; replaces glutamic acid 593 with a stop codon.
Molecular consequence: nonsense. On other transcripts: non-coding transcript variant (1).
Genome position (GRCh38, 1-based): chr2:61,836,084, C>A on the plus strand (G>T on the coding strand, the complement: FAM161A is on the minus strand). VCF-style: chr2-61836084-C-A. GRCh37 (hg19) VCF-style: chr2-62063219-C-A.
Other names: c.1609G>T, p.Glu537Ter (NM_032180.3); short protein forms E537*, E593*.
Identifiers: ClinVar variation 1424002 (VCV001424002.6), dbSNP rs2105073911, ClinGen allele CA346985771.

ClinVar aggregate classification (germline): Pathogenic (1 of 4 stars; one submission).

Submission:

Labcorp Genetics (formerly Invitae), Labcorp
Classification: Pathogenic. Last evaluated: 2023-10-13. Review status: criteria provided, single submitter. Criteria: Invitae Variant Classification Sherloc (09022015). Collection method: clinical testing. Allele origin: germline.
Comment: This sequence change creates a premature translational stop signal (p.Glu593*) in the FAM161A gene. It is expected to result in an absent or disrupted protein product. Loss-of-function variants in FAM161A are known to be pathogenic (PMID: 20705278, 20705279, 24651477). This variant is not present in population databases (gnomAD no frequency). This variant has not been reported in the literature in individuals affected with FAM161A-related conditions. ClinVar contains an entry for this variant (Variation ID: 1424002). For these reasons, this variant has been classified as Pathogenic.

Literature cited by the submitters: PubMed 20705278; PubMed 20705279; PubMed 24651477.